The following is an entry in ClinVar:

ClinVar aggregate classification (germline): Pathogenic (1 of 4 stars; one submission).

Conditions:
Bardet-Biedl syndrome (BBS). Identifiers: Orphanet 110, MedGen C0752166, MONDO:0015229.

Submission:

Women's Health and Genetics/Laboratory Corporation of America, LabCorp
Classification: Pathogenic for Bardet-Biedl syndrome. Last evaluated: 2022-06-14. Review status: criteria provided, single submitter. Criteria: LabCorp Variant Classification Summary - May 2015. Collection method: clinical testing. Allele origin: germline.
Comment: Variant summary: The variant identified by MLPA or other technology involves the deletion of exons 4-11 in the BBS1 gene. A presumed nomenclature of c.(159+1_160-1)_(1110+1_1111-1)del has been designated for the purposes of this classification. Although exact breakpoints of this deletion are not known, it is expected to result in a large in-frame deletion change in the BBS1 gene, a known mechanism of disease. The variant was absent in 21694 control chromosomes. c.(159+1_160-1)_(1110+1_1111-1)del has been reported in the literature in at least one individual affected with Bardet-Biedl Syndrome. To our knowledge, no experimental evidence demonstrating an impact on protein function has been reported. No clinical diagnostic laboratories have submitted clinical-significance assessments for this variant to ClinVar after 2014. Based on the evidence outlined above, the variant was classified as pathogenic.

Literature cited by the submitters: PubMed 33169370.

NC_000011.9:g.(66278711_66281876)_(66291354_66293593)del

Gene: BBS1 (Bardet-Biedl syndrome 1; plus strand). Cytogenetic location: 11q13.2.
Variant type: Deletion.
Identifiers: ClinVar variation 1698560 (VCV001698560.1).